The following is an entry in ClinVar:

ClinVar aggregate classification (germline): Uncertain significance (1 of 4 stars; one submission).

Conditions:
Menkes kinky-hair syndrome (MNK). Also called: Classic Menkes Disease; Copper transport disease; Menkes Disease. Identifiers: Orphanet 565, MedGen C0022716, MONDO:0010651, OMIM 309400.
Cutis laxa, X-linked (OHS). Also called: EDS IX; Occipital horn syndrome. Identifiers: Orphanet 198, MedGen C0268353, MONDO:0010572, OMIM 304150.
X-linked distal spinal muscular atrophy type 3. Also called: NEURONOPATHY, DISTAL HEREDITARY MOTOR, X-LINKED; NEUROPATHY, DISTAL HEREDITARY MOTOR, X-LINKED; ATP7A-Related Distal Motor Neuropathy; SPINAL MUSCULAR ATROPHY, DISTAL, X-LINKED RECESSIVE. Identifiers: Orphanet 139557, MedGen C1845359, MONDO:0010338, OMIM 300489.

Allele frequency attached by ClinVar (database versions not stated): gnomAD exomes below 0.00001.
gnomAD v4.1: 1 of 1,211,721 alleles (0.000083%); highest among the groups gnomAD compares: Non-Finnish European, 0.00011%; no homozygotes.

Submission:

Labcorp Genetics (formerly Invitae), Labcorp
Classification: Uncertain significance for X-linked distal spinal muscular atrophy type 3; Cutis laxa, X-linked; Menkes kinky-hair syndrome. Last evaluated: 2017-10-31. Review status: criteria provided, single submitter. Criteria: Invitae Variant Classification Sherloc (09022015). Collection method: clinical testing. Allele origin: germline.
Comment: In summary, the available evidence is currently insufficient to determine the role of this variant in disease. Therefore, it has been classified as a Variant of Uncertain Significance. Algorithms developed to predict the effect of missense changes on protein structure and function do not agree on the potential impact of this missense change (SIFT: "Deleterious"; PolyPhen-2: "Benign"; Align-GVGD: "Class C0"). This variant has not been reported in the literature in individuals with ATP7A-related disease. This variant is not present in population databases (ExAC no frequency). This sequence change replaces aspartic acid with glycine at codon 1497 of the ATP7A protein (p.Asp1497Gly). The aspartic acid residue is moderately conserved and there is a moderate physicochemical difference between aspartic acid and glycine.

NM_000052.7(ATP7A):c.4490A>G (p.Asp1497Gly)

Gene: ATP7A (ATPase copper transporting alpha; plus strand). Cytogenetic location: Xq21.1.
Variant type: single nucleotide variant.
Coding change: c.4490A>G on transcript NM_000052.7 (MANE Select); coding-DNA position 4490, A replaced by G.
Protein change: p.Asp1497Gly; replaces aspartic acid 1497 with glycine.
Molecular consequence: missense variant. On other transcripts: non-coding transcript variant (1).
Genome position (GRCh38, 1-based): chrX:78,046,557, A>G. VCF-style: chrX-78046557-A-G. GRCh37 (hg19) VCF-style: chrX-77302054-A-G.
Other names: c.4256A>G, p.Asp1419Gly (NM_001282224.2); short protein forms D1497G, D1419G.
Identifiers: ClinVar variation 533675 (VCV000533675.9), dbSNP rs1557239152, ClinGen allele CA413606541.